The following is an entry in ClinVar:

ClinVar aggregate classification (germline): Benign/Likely benign. Review status: criteria provided, multiple submitters, no conflicts (2 of 4 stars). 7 submissions from 7 submitters: Benign (3); Likely benign (1). 3 of the submissions do not count toward it. Last evaluated 2026-01-13.

Conditions:
Dilated cardiomyopathy 1R (CMD1R). Identifiers: Orphanet 154, Orphanet 54260, MedGen C3150681, MONDO:0013261, OMIM 613424.
Atrial septal defect 5 (ASD5). Identifiers: Orphanet 1478, MedGen C2748552, MONDO:0013011, OMIM 612794.
Hypertrophic cardiomyopathy 11. Also called: ACTC1-Related Familial Hypertrophic Cardiomyopathy. Identifiers: MedGen C2677506, MONDO:0012799, OMIM 612098.

Allele frequency attached by ClinVar (database versions not stated): gnomAD 0.00001 and 0.00027; TOPMed 0.00003; gnomAD exomes 0.00063 and 0.00120; 1000 Genomes Project 30x 0.00125; ExAC 0.00154.

Submissions (7):

Labcorp Genetics (formerly Invitae), Labcorp
Classification: Benign for Dilated cardiomyopathy 1R; Hypertrophic cardiomyopathy 11; Atrial septal defect 5. Last evaluated: 2026-01-13. Review status: criteria provided, single submitter. Criteria: Invitae Variant Classification Sherloc (09022015). Collection method: clinical testing. Allele origin: germline.

Blueprint Genetics
Classification: Likely benign. Last evaluated: 2024-11-21. Review status: criteria provided, single submitter. Criteria: ACMG Guidelines, 2015. Collection method: clinical testing. Allele origin: germline.

Women's Health and Genetics/Laboratory Corporation of America, LabCorp
Classification: Benign. Last evaluated: 2023-05-04. Review status: criteria provided, single submitter. Criteria: LabCorp Variant Classification Summary - May 2015. Collection method: clinical testing. Allele origin: germline.
Comment: Variant summary: ACTC1 c.129+19_129+20insT alters a non-conserved nucleotide located close to a canonical splice site and therefore could affect mRNA splicing, leading to a significantly altered protein sequence. 4/4 computational tools predict no significant impact on normal splicing. However, these predictions have yet to be confirmed by functional studies. The variant allele was found at a frequency of 0.0012 in 237926 control chromosomes (gnomAD), predominantly at a frequency of 0.0094 within the South Asian subpopulation in the gnomAD database, including 1 homozygote. The observed variant frequency within South Asian control individuals in the gnomAD database is approximately 376 fold of the estimated maximal expected allele frequency for a pathogenic variant in ACTC1 causing Hypertrophic Cardiomyopathy phenotype (2.5e-05), strongly suggesting that the variant is a benign polymorphism found primarily in populations of South Asian origin. Two ClinVar submitters have assessed the variant since 2014: both classified the variant as benign. Based on the evidence outlined above, the variant was classified as benign.

GeneDx
Classification: Benign. Last evaluated: 2015-03-03. Review status: criteria provided, single submitter. Criteria: GeneDx Variant Classification Process June 2021. Collection method: clinical testing. Allele origin: germline. Affected: yes.

Clinical Genetics DNA and cytogenetics Diagnostics Lab, Erasmus MC, Erasmus Medical Center
Classification: Benign. Review status: no assertion criteria provided. Collection method: clinical testing. Allele origin: germline. Affected: yes. Study: VKGL Data-share Consensus. Not counted in ClinVar's aggregate classification.

Clinical Genetics, Academic Medical Center
Classification: Benign. Review status: no assertion criteria provided. Collection method: clinical testing. Allele origin: germline. Affected: yes. Study: VKGL Data-share Consensus. Not counted in ClinVar's aggregate classification.

Diagnostic Laboratory, Department of Genetics, University Medical Center Groningen
Classification: Likely benign. Review status: no assertion criteria provided. Collection method: clinical testing. Allele origin: germline. Affected: yes. Study: VKGL Data-share Consensus. Not counted in ClinVar's aggregate classification.

NM_005159.5(ACTC1):c.129+19_129+20insT

Genes: ACTC1 (actin alpha cardiac muscle 1; minus strand), GJD2-DT (GJD2 divergent transcript; plus strand). Cytogenetic location: 15q14.
Variant type: Insertion.
Coding change: c.129+19_129+20insT on transcript NM_005159.5 (MANE Select); bases 19 to 20 of the intron after coding-DNA position 129, T inserted.
Molecular consequence: intron variant.
Genome position: GRCh38 VCF-style: chr15-34794660-G-GA. GRCh37 (hg19) VCF-style: chr15-35086861-G-GA.
Other names: c.129+19_129+20insT (LRG_388t1).
Identifiers: ClinVar variation 35645 (VCV000035645.21), dbSNP rs386134228, ClinGen allele CA019662.
Genomic context (GRCh38, chr15:34,794,660, plus strand): 5'-AGGGTCAGGTGAGAGCCATTTCCTAGATCGCTGGACTGAAGGGGTCCCGAGTGGGACGGG[G>GA]GGCTCGGCGGGAAGTTTACCTGGTGCCGCGGGCGGCCCACGATGGACGGGAAGACAGCGC-3'